The following is an entry in ClinVar:

ClinVar aggregate classification (germline): Uncertain significance. Review status: criteria provided, multiple submitters, no conflicts (2 of 4 stars). 3 submissions from 3 submitters: Uncertain significance (3). Last evaluated 2024-05-26.

Conditions:
Gastrointestinal stromal tumor. Also called: Gastrointestinal stromal tumor, somatic; Gastrointestinal stroma tumor. Identifiers: Orphanet 44890, MedGen C0238198, MeSH D046152, MONDO:0011719, OMIM 606764, HP:0100723.
Hereditary cancer-predisposing syndrome. Also called: Neoplastic Syndromes, Hereditary; Hereditary neoplastic syndrome; Tumor predisposition; Hereditary Cancer Syndrome. Identifiers: Orphanet 140162, MedGen C0027672, MeSH D009386, MONDO:0015356.

Allele frequency attached by ClinVar (database versions not stated): TOPMed below 0.00001; ExAC 0.00001; gnomAD 0.00001; ESP Exome Variant Server 0.00008.
gnomAD v4.1: 1 of 1,613,204 alleles (0.000062%); highest among the groups gnomAD compares: African/African-American, 0.0013%; no homozygotes.

Submissions (3):

Labcorp Genetics (formerly Invitae), Labcorp
Classification: Uncertain significance for Gastrointestinal stromal tumor. Last evaluated: 2024-05-26. Review status: criteria provided, single submitter. Criteria: Invitae Variant Classification Sherloc (09022015). Collection method: clinical testing. Allele origin: germline.
Comment: This sequence change replaces glutamic acid, which is acidic and polar, with glycine, which is neutral and non-polar, at codon 711 of the KIT protein (p.Glu711Gly). This variant is present in population databases (rs374262491, gnomAD 0.007%). This variant has not been reported in the literature in individuals affected with KIT-related conditions. An algorithm developed to predict the effect of missense changes on protein structure and function (PolyPhen-2) suggests that this variant is likely to be tolerated. In summary, the available evidence is currently insufficient to determine the role of this variant in disease. Therefore, it has been classified as a Variant of Uncertain Significance.

Ambry Genetics
Classification: Uncertain significance for Hereditary cancer-predisposing syndrome. Last evaluated: 2024-01-25. Review status: criteria provided, single submitter. Criteria: Ambry Variant Classification Scheme 2023. Collection method: clinical testing. Allele origin: germline.
Comment: The p.E711G variant (also known as c.2132A>G), located in coding exon 14 of the KIT gene, results from an A to G substitution at nucleotide position 2132. The glutamic acid at codon 711 is replaced by glycine, an amino acid with similar properties. This amino acid position is conserved. In addition, this alteration is predicted to be tolerated by in silico analysis. Based on the available evidence, the clinical significance of this alteration remains unclear.

Baylor Genetics
Classification: Uncertain significance for Gastrointestinal stromal tumor. Last evaluated: 2023-07-06. Review status: criteria provided, single submitter. Criteria: ACMG Guidelines, 2015. Collection method: clinical testing. Allele origin: unknown.

NM_000222.3(KIT):c.2132A>G (p.Glu711Gly)

Gene: KIT (KIT proto-oncogene, receptor tyrosine kinase; plus strand). Cytogenetic location: 4q12.
Variant type: single nucleotide variant.
Coding change: c.2132A>G on transcript NM_000222.3 (MANE Select); coding-DNA position 2132, A replaced by G.
Protein change: p.Glu711Gly; replaces glutamic acid 711 with glycine.
Molecular consequence: missense variant.
Genome position (GRCh38, 1-based): chr4:54,729,476, A>G. VCF-style: chr4-54729476-A-G. GRCh37 (hg19) VCF-style: chr4-55595642-A-G.
Other names: c.2120A>G, p.Glu707Gly (NM_001093772.2, NM_001385286.1); c.2135A>G, p.Glu712Gly (NM_001385284.1, NM_001385290.1); c.2132A>G, p.Glu711Gly (NM_001385285.1); c.2123A>G, p.Glu708Gly (NM_001385288.1, NM_001385292.1); short protein forms E707G, E708G, E711G, E712G.
Identifiers: ClinVar variation 2676218 (VCV002676218.4), dbSNP rs374262491, ClinGen allele CA2923652.